The following is an entry in ClinVar:

NM_000291.4(PGK1):c.740T>C (p.Val247Ala)

Gene: PGK1 (phosphoglycerate kinase 1; plus strand). Cytogenetic location: Xq21.1.
Variant type: single nucleotide variant.
Coding change: c.740T>C on transcript NM_000291.4 (MANE Select); coding-DNA position 740, T replaced by C.
Protein change: p.Val247Ala; replaces valine 247 with alanine.
Molecular consequence: missense variant.
Genome position (GRCh38, 1-based): chrX:78,122,933, T>C. VCF-style: chrX-78122933-T-C. GRCh37 (hg19) VCF-style: chrX-77378430-T-C.
Other names: short protein forms V247A.
Identifiers: ClinVar variation 2631729 (VCV002631729.2), dbSNP rs2078363408, ClinGen allele CA413715943.

ClinVar aggregate classification (germline): Uncertain significance (1 of 4 stars; one submission).

Conditions:
PGK1-related disorder. Also called: PGK1-related condition.

Submission:

PreventionGenetics, part of Exact Sciences
Classification: Uncertain significance for PGK1-related condition. Last evaluated: 2026-03-11. Review status: criteria provided, single submitter. Criteria: ACMG Guidelines, 2015. Collection method: clinical testing. Allele origin: germline.
Comment: The PGK1 c.740T>C variant is predicted to result in the amino acid substitution p.Val247Ala. To our knowledge, this variant has not been reported in the literature or in a large population database (gnomAD), indicating this variant is rare. At this time, the clinical significance of this variant is uncertain due to the absence of conclusive functional and genetic evidence.